The following is an entry in ClinVar:

ClinVar aggregate classification (germline): Benign. Review status: criteria provided, multiple submitters, no conflicts (2 of 4 stars). 5 submissions from 5 submitters: Benign (5). Last evaluated 2026-02-03.

Conditions:
Hereditary coproporphyria (HCP). Also called: Hereditary coproporphyria porphyria; Porphyria hepatica coproporphyria; Porphyria hepatica II; CPRO deficiency; COPROPORPHYRINOGEN OXIDASE DEFICIENCY; CPO DEFICIENCY. Identifiers: Orphanet 79273, MedGen C0162531, MONDO:0007369, OMIM 121300.

Allele frequency attached by ClinVar (database versions not stated): ESP Exome Variant Server 0.07089; gnomAD 0.07407 and 0.07782; TOPMed 0.08132; gnomAD exomes 0.08995 and 0.10975; 1000 Genomes Project 30x 0.09931; 1000 Genomes Project 0.09964; ExAC 0.10453.
gnomAD v4.1: 143,315 of 1,614,006 alleles (8.9%); highest among the groups gnomAD compares: Admixed American, 21%; 7,657 homozygotes.

Submissions (5):

Labcorp Genetics (formerly Invitae), Labcorp
Classification: Benign. Last evaluated: 2026-02-03. Review status: criteria provided, single submitter. Criteria: Invitae Variant Classification Sherloc (09022015). Collection method: clinical testing. Allele origin: germline.

Blueprint Genetics
Classification: Benign. Last evaluated: 2024-11-26. Review status: criteria provided, single submitter. Criteria: ACMG Guidelines, 2015. Collection method: clinical testing. Allele origin: germline.

Mayo Clinic Laboratories, Mayo Clinic
Classification: Benign. Last evaluated: 2022-04-14. Review status: criteria provided, single submitter. Criteria: ACMG Guidelines, 2015. Collection method: clinical testing. Allele origin: germline. Observed: 359 variant alleles.

Illumina Laboratory Services, Illumina
Classification: Benign for Hereditary coproporphyria. Last evaluated: 2018-01-12. Review status: criteria provided, single submitter. Criteria: ICSL Variant Classification Criteria 13 December 2019. Collection method: clinical testing. Allele origin: germline.
Comment: This variant was observed in the ICSL laboratory as part of a predisposition screen in an ostensibly healthy population. It had not been previously curated by ICSL or reported in the Human Gene Mutation Database (HGMD: prior to June 1st, 2018), and was therefore a candidate for classification through an automated scoring system. Utilizing variant allele frequency, disease prevalence and penetrance estimates, and inheritance mode, an automated score was calculated to assess if this variant is too frequent to cause the disease. Based on the score and internal cut-off values, a variant classified as benign is not then subjected to further curation. The score for this variant resulted in a classification of benign for this disease.

Breakthrough Genomics
Classification: Benign. Review status: criteria provided, single submitter. Criteria: ACMG Guidelines, 2015. Collection method: not provided. Allele origin: germline. Inheritance: Autosomal recessive inheritance. Affected: yes.

NM_000097.7(CPOX):c.880G>A (p.Val294Ile)

Gene: CPOX (coproporphyrinogen oxidase; minus strand). Cytogenetic location: 3q11.2.
Variant type: single nucleotide variant.
Coding change: c.880G>A on transcript NM_000097.7 (MANE Select); coding-DNA position 880, G replaced by A.
Protein change: p.Val294Ile; replaces valine 294 with isoleucine.
Molecular consequence: missense variant.
Genome position (GRCh38, 1-based): chr3:98,588,786, C>T on the plus strand (G>A on the coding strand, the complement: CPOX is on the minus strand). VCF-style: chr3-98588786-C-T. GRCh37 (hg19) VCF-style: chr3-98307630-C-T.
Other names: c.880G>A, p.Val294Ile (LRG_1077t1); short protein forms V294I.
Identifiers: ClinVar variation 346978 (VCV000346978.15), dbSNP rs2228056, ClinGen allele CA2511572.
Genomic context (GRCh38, chr3:98,588,786, plus strand): 5'-TGGGGTAGAGATCTGGACCATGCTGGTCACAAGCCTCCTTCAGAGTTCTGTGAAAATGGA[C>T]AGCGTCTTCTTGATTCAAGTATGTTGGAGTGAGGTCACATCCACCACCAAACCACCACTG-3'
Protein context (NP_000088.3, residues 284-304): TPTYLNQEDA[Val294Ile]HFHRTLKEAC